The following is an entry in ClinVar:

ClinVar aggregate classification (germline): Pathogenic (1 of 4 stars; one submission).

Conditions:
Severe X-linked myotubular myopathy (CNMX). Also called: X-linked centronuclear myopathy; MYOTUBULAR MYOPATHY 1; Myotubular myopathy, X-linked. Identifiers: Orphanet 596, MedGen C0410203, MONDO:0010683, OMIM 310400.

Submission:

Myriad Genetics, Inc.
Classification: Pathogenic for Severe X-linked myotubular myopathy. Last evaluated: 2023-08-14. Review status: criteria provided, single submitter. Criteria: Myriad Autosomal Dominant, Autosomal Recessive and X-Linked Classification Criteria (2023). Collection method: clinical testing. Allele origin: unknown.
Comment: NM_000252.2(MTM1):c.885_886ins13(E296Yfs*7) is expected to be pathogenic in the context of X-linked myotubular myopathy. This variant is predicted to lead to an abnormal or absent protein product due to the creation of a premature termination codon in MTM1, a gene where loss-of-function variants are known to be pathogenic. Please note: this variant was assessed in the context of healthy population screening.

NM_000252.3(MTM1):c.885_886insTATTGTCATATGA (p.Glu296fs)

Gene: MTM1 (myotubularin 1; plus strand). Cytogenetic location: Xq28.
Variant type: Insertion.
Coding change: c.885_886insTATTGTCATATGA on transcript NM_000252.3 (MANE Select); coding-DNA positions 885 to 886, TATTGTCATATGA inserted.
Protein change: p.Glu296fs; shifts the reading frame from glutamic acid 296.
Molecular consequence: frameshift variant.
Genome position: GRCh38 VCF-style: chrX-150649733-T-TTATTGTCATATGA. GRCh37 (hg19) VCF-style: chrX-149818206-T-TTATTGTCATATGA.
Other names: c.885_886insTATTGTCATATGA, p.Glu296fs (NM_001376906.1, NM_001376908.1); c.774_775insTATTGTCATATGA, p.Glu259fs (NM_001376907.1); short protein forms E259fs, E296fs.
Identifiers: ClinVar variation 5011351 (VCV005011351.1).